The following is an entry in ClinVar:

ClinVar aggregate classification (germline): Conflicting classifications of pathogenicity. Review status: criteria provided, conflicting classifications (1 of 4 stars). 3 submissions from 3 submitters: Uncertain significance (2); Benign (1). Last evaluated 2025-10-04.

Conditions:
Familial thoracic aortic aneurysm and aortic dissection (TAAD). Also called: Thoracic aortic aneurysms and dissections. Identifiers: Orphanet 91387, MedGen C4707243, MONDO:0019625.
Ehlers-Danlos syndrome, classic type, 1 (EDSCL1). Also called: Ehlers-Danlos syndrome, type 1; EHLERS-DANLOS SYNDROME, GRAVIS TYPE; EHLERS-DANLOS SYNDROME, SEVERE CLASSIC TYPE; EDS I; Ehlers-Danlos Syndrome, Classic Type, COL5A1-Related. Identifiers: MedGen C0268335, MONDO:0019567, OMIM 130000.

Allele frequency attached by ClinVar (database versions not stated): ExAC 0.00003; gnomAD 0.00003; gnomAD exomes 0.00001 and 0.00004; TOPMed 0.00004.
gnomAD v4.1: 21 of 1,613,868 alleles (0.0013%); highest among the groups gnomAD compares: Admixed American, 0.013%; no homozygotes.

Submissions (3):

Labcorp Genetics (formerly Invitae), Labcorp
Classification: Benign for Ehlers-Danlos syndrome, classic type, 1. Last evaluated: 2025-10-04. Review status: criteria provided, single submitter. Criteria: Invitae Variant Classification Sherloc (09022015). Collection method: clinical testing. Allele origin: germline.

Ambry Genetics
Classification: Uncertain significance for Familial thoracic aortic aneurysm and aortic dissection. Last evaluated: 2025-06-11. Review status: criteria provided, single submitter. Criteria: Ambry Variant Classification Scheme 2023. Collection method: clinical testing. Allele origin: germline.
Comment: The p.R909Q variant (also known as c.2726G>A), located in coding exon 33 of the COL5A1 gene, results from a G to A substitution at nucleotide position 2726. The arginine at codon 909 is replaced by glutamine, an amino acid with highly similar properties. This amino acid position is highly conserved in available vertebrate species. In addition, the in silico prediction for this alteration is inconclusive. Based on the available evidence, the clinical significance of this variant remains unclear.

ARUP Laboratories, Molecular Genetics and Genomics, ARUP Laboratories
Classification: Uncertain significance. Last evaluated: 2025-01-14. Review status: criteria provided, single submitter. Criteria: ARUP Molecular Germline Variant Investigation Process 2024. Collection method: clinical testing. Allele origin: germline.
Comment: The COL5A1 c.2726G>A; p.Arg909Gln variant (rs747046727), to our knowledge, is not reported in the medical literature but is reported in ClinVar (Variation ID: 954469). This variant is found in the general population with an overall allele frequency of 0.004% (9/250,900 alleles) in the Genome Aggregation Database (v2.1.1). Computational analyses are uncertain whether this variant is neutral or deleterious (REVEL: 0.526). Due to limited information, the clinical significance of this variant is uncertain at this time.

NM_000093.5(COL5A1):c.2726G>A (p.Arg909Gln)

Gene: COL5A1 (collagen type V alpha 1 chain; plus strand). Cytogenetic location: 9q34.3.
Variant type: single nucleotide variant.
Coding change: c.2726G>A on transcript NM_000093.5 (MANE Select); coding-DNA position 2726, G replaced by A.
Protein change: p.Arg909Gln; replaces arginine 909 with glutamine.
Molecular consequence: missense variant.
Genome position (GRCh38, 1-based): chr9:134,795,107, G>A. VCF-style: chr9-134795107-G-A. GRCh37 (hg19) VCF-style: chr9-137686953-G-A.
Other names: c.2726G>A, p.Arg909Gln (NM_001278074.1); short protein forms R909Q.
Identifiers: ClinVar variation 954469 (VCV000954469.15), dbSNP rs747046727, ClinGen allele CA5319559.